The following is an entry in ClinVar:

NM_003924.4(PHOX2B):c.325C>T (p.Gln109Ter)

Gene: PHOX2B (paired like homeobox 2B; minus strand). Cytogenetic location: 4p13.
Variant type: single nucleotide variant.
Coding change: c.325C>T on transcript NM_003924.4 (MANE Select); coding-DNA position 325, C replaced by T.
Protein change: p.Gln109Ter; replaces glutamine 109 with a stop codon.
Molecular consequence: nonsense.
Genome position (GRCh38, 1-based): chr4:41,747,453, G>A on the plus strand (C>T on the coding strand, the complement: PHOX2B is on the minus strand). VCF-style: chr4-41747453-G-A. GRCh37 (hg19) VCF-style: chr4-41749470-G-A.
Other names: short protein forms Q109*.
Identifiers: ClinVar variation 4993996 (VCV004993996.1).
Genomic context (GRCh38, chr4:41,747,453, plus strand): 5'-CCCGAGTGTAGATGTCGGGGTAGTGAGTCTCCGCGAAGACCCTTTCCAGCTCTTTGAGCT[G>A]GGCACTGGTGAAAGTGGTGCGGATGCGCCGCTGCTTGCGCTTCTCGTTGAGGCCGCCGTG-3'

ClinVar aggregate classification (germline): Pathogenic (1 of 4 stars; one submission).

Conditions:
PHOX2B-related disorder. Also called: PHOX2B-related condition.

Submission:

PreventionGenetics, part of Exact Sciences
Classification: Pathogenic for PHOX2B-related condition. Last evaluated: 2026-03-02. Review status: criteria provided, single submitter. Criteria: ACMG Guidelines, 2015. Collection method: clinical testing. Allele origin: germline.
Comment: The PHOX2B c.325C>T variant is predicted to result in premature protein termination (p.Gln109*). To our knowledge, this variant has not been reported in the literature or in a large population database (gnomAD), indicating this variant is rare. Nonsense variants in PHOX2B are expected to be pathogenic. This variant is interpreted as pathogenic.